The following is an entry in ClinVar:

NM_013328.4(PYCR2):c.50G>C (p.Arg17Pro)

Gene: PYCR2 (pyrroline-5-carboxylate reductase 2; minus strand). Cytogenetic location: 1q42.12.
Variant type: single nucleotide variant.
Coding change: c.50G>C on transcript NM_013328.4 (MANE Select); coding-DNA position 50, G replaced by C.
Protein change: p.Arg17Pro; replaces arginine 17 with proline.
Molecular consequence: missense variant.
Genome position (GRCh38, 1-based): chr1:225,924,061, C>G on the plus strand (G>C on the coding strand, the complement: PYCR2 is on the minus strand). VCF-style: chr1-225924061-C-G. GRCh37 (hg19) VCF-style: chr1-226111761-C-G.
Other names: c.50G>C, p.Arg17Pro (NM_001271681.2); short protein forms R17P.
Identifiers: ClinVar variation 2689847 (VCV002689847.3), dbSNP rs959032271, ClinGen allele CA38537341.

ClinVar aggregate classification (germline): Uncertain significance. Review status: criteria provided, multiple submitters, no conflicts (2 of 4 stars). 2 submissions from 2 submitters: Uncertain significance (2). Last evaluated 2025-04-01.

Conditions:
Leukodystrophy, hypomyelinating, 10. Also called: PYCR2-related microcephaly-progressive leukoencephalopathy. Identifiers: Orphanet 481152, MedGen C4225332, MONDO:0014632, OMIM 616420.

Submissions (2):

Department of Human Genetics, University Hospital Bern, Inselspital
Classification: Uncertain significance for Leukodystrophy, hypomyelinating, 10. Last evaluated: 2025-04-01. Review status: criteria provided, single submitter. Criteria: ACMG Guidelines, 2015. Collection method: clinical testing. Allele origin: biparental. Inheritance: Autosomal recessive inheritance. Affected: yes. Observed: 1 homozygote.
Comment: Pathogenic variants in PYCR2 are associaed with Leukodystrophy, hypomyelinating, 10. The c.50G>C p.(Arg17Pro) variant in PYCR2 affects a highly conserved amino acid and is not reported in gnomAD v.4.1. According to ACMG-criteria this variant is classified as VUS (PM2, PP2).

Revvity Omics, Revvity
Classification: Uncertain significance for Leukodystrophy, hypomyelinating, 10. Last evaluated: 2023-05-23. Review status: criteria provided, single submitter. Criteria: ACMG Guidelines, 2015. Collection method: clinical testing. Allele origin: germline.

Literature cited by the submitters: PubMed 38709052 (cited by Department of Human Genetics, University Hospital Bern, Inselspital).